The following is an entry in ClinVar:

NM_001267550.2(TTN):c.11311+2904A>G

Gene: TTN (titin; minus strand). Cytogenetic location: 2q31.2.
Variant type: single nucleotide variant.
Coding change: c.11311+2904A>G on transcript NM_001267550.2 (MANE Select); 2904 bases into the intron after coding-DNA position 11311, A replaced by G.
Molecular consequence: intron variant. On other transcripts: synonymous variant (1).
Genome position (GRCh38, 1-based): chr2:178,750,220, T>C on the plus strand (A>G on the coding strand, the complement: TTN is on the minus strand). VCF-style: chr2-178750220-T-C. GRCh37 (hg19) VCF-style: chr2-179614947-T-C.
Other names: c.12180A>G, p.Ala4060= (NM_133379.5); c.10222+2904A>G (NM_003319.4); c.10798+2904A>G (NM_133437.4); c.10597+2904A>G (NM_133432.3); c.10360+2904A>G (NM_133378.4, NM_001256850.1).
Identifiers: ClinVar variation 3033888 (VCV003033888.3), dbSNP rs750539962, ClinGen allele CA2003601.

ClinVar aggregate classification (germline): Likely benign. Review status: criteria provided, single submitter (1 of 4 stars). 2 submissions from 2 submitters: Likely benign (1). 1 of the submissions does not count toward it. Last evaluated 2025-04-09.

Conditions:
TTN-related disorder. Also called: TTN-related condition; TTN-related disease; TTN-related disorders.

Allele frequency attached by ClinVar (database versions not stated): gnomAD 0.00003; gnomAD exomes 0.00007; ExAC 0.00002; TOPMed 0.00002.
gnomAD v4.1: 106 of 1,613,080 alleles (0.0066%); highest among the groups gnomAD compares: Non-Finnish European, 0.0086%; no homozygotes.

Submissions (2):

Molecular Diagnostic Laboratory for Inherited Cardiovascular Disease, Montreal Heart Institute
Classification: Likely benign. Last evaluated: 2025-04-09. Review status: criteria provided, single submitter. Criteria: ACMG Guidelines, 2015. Collection method: clinical testing. Allele origin: germline. Affected: no.

PreventionGenetics, part of Exact Sciences
Classification: Likely benign for TTN-related condition. Last evaluated: 2019-06-14. Review status: no assertion criteria provided. Collection method: clinical testing. Allele origin: germline. Not counted in ClinVar's aggregate classification.
Comment: This variant is classified as likely benign based on ACMG/AMP sequence variant interpretation guidelines (Richards et al. 2015 PMID: 25741868, with internal and published modifications).